The following is an entry in ClinVar:

ClinVar aggregate classification (germline): Uncertain significance (1 of 4 stars; one submission).

Conditions:
Pyruvate carboxylase deficiency. Also called: Pyruvate Carboxylase Deficiency Disease; LEIGH NECROTIZING ENCEPHALOPATHY DUE TO PYRUVATE CARBOXYLASE DEFICIENCY; LEIGH SYNDROME DUE TO PYRUVATE CARBOXYLASE DEFICIENCY; PC DEFICIENCY; ATAXIA WITH LACTIC ACIDOSIS II. Identifiers: Orphanet 3008, MedGen C0034341, MONDO:0009949, OMIM 266150.

gnomAD v4.1: 1 of 1,613,662 alleles (0.000062%); no homozygotes.

Submission:

Labcorp Genetics (formerly Invitae), Labcorp
Classification: Uncertain significance for Pyruvate carboxylase deficiency. Last evaluated: 2025-10-02. Review status: criteria provided, single submitter. Criteria: Invitae Variant Classification Sherloc (09022015). Collection method: clinical testing. Allele origin: germline.
Comment: This sequence change replaces valine, which is neutral and non-polar, with methionine, which is neutral and non-polar, at codon 274 of the PC protein (p.Val274Met). This variant is not present in population databases (gnomAD no frequency). This variant has not been reported in the literature in individuals affected with PC-related conditions. ClinVar contains an entry for this variant (Variation ID: 2149812). Invitae Evidence Modeling of protein sequence and biophysical properties (such as structural, functional, and spatial information, amino acid conservation, physicochemical variation, residue mobility, and thermodynamic stability) has been performed for this missense variant. However, the output from this modeling did not meet the statistical confidence thresholds required to predict the impact of this variant on PC protein function. In summary, the available evidence is currently insufficient to determine the role of this variant in disease. Therefore, it has been classified as a Variant of Uncertain Significance.

NM_001040716.2(PC):c.820G>A (p.Val274Met)

Gene: PC (pyruvate carboxylase; minus strand). Cytogenetic location: 11q13.2.
Variant type: single nucleotide variant.
Coding change: c.820G>A on transcript NM_001040716.2 (MANE Select); coding-DNA position 820, G replaced by A.
Protein change: p.Val274Met; replaces valine 274 with methionine.
Molecular consequence: missense variant.
Genome position (GRCh38, 1-based): chr11:66,870,385, C>T on the plus strand (G>A on the coding strand, the complement: PC is on the minus strand). VCF-style: chr11-66870385-C-T. GRCh37 (hg19) VCF-style: chr11-66637856-C-T.
Other names: c.820G>A, p.Val274Met (NM_000920.4, NM_022172.3); short protein forms V274M.
Identifiers: ClinVar variation 2149812 (VCV002149812.3), dbSNP rs958712162, ClinGen allele CA224094051.